The following is an entry in ClinVar:

ClinVar aggregate classification (germline): Uncertain significance (1 of 4 stars; one submission).

gnomAD v4.1: 1 of 1,551,716 alleles (0.000064%); highest among the groups gnomAD compares: Non-Finnish European, 0.000087%; no homozygotes.

Submission:

Greenwood Genetic Center Diagnostic Laboratories, Greenwood Genetic Center
Classification: Uncertain significance. Last evaluated: 2024-06-28. Review status: criteria provided, single submitter. Criteria: ACMG Guidelines, 2015. Collection method: clinical testing. Allele origin: germline. Affected: yes.
Comment: PM2

NM_003036.4(SKI):c.1492T>C (p.Ser498Pro)

Gene: SKI (SKI proto-oncogene; plus strand). Cytogenetic location: 1p36.32.
Variant type: single nucleotide variant.
Coding change: c.1492T>C on transcript NM_003036.4 (MANE Select); coding-DNA position 1492, T replaced by C.
Protein change: p.Ser498Pro; replaces serine 498 with proline.
Molecular consequence: missense variant.
Genome position (GRCh38, 1-based): chr1:2,304,310, T>C. VCF-style: chr1-2304310-T-C. GRCh37 (hg19) VCF-style: chr1-2235749-T-C.
Other names: short protein forms S498P.
Identifiers: ClinVar variation 3338582 (VCV003338582.1).